The following is an entry in ClinVar:

NM_001436401.1(NOBOX):c.728G>A (p.Arg243Gln)

Gene: NOBOX (NOBOX oogenesis homeobox; minus strand). Cytogenetic location: 7q35.
Variant type: single nucleotide variant.
Coding change: c.728G>A on transcript NM_001436401.1 (MANE Select); coding-DNA position 728, G replaced by A.
Protein change: p.Arg243Gln; replaces arginine 243 with glutamine.
Molecular consequence: missense variant.
Genome position (GRCh38, 1-based): chr7:144,399,832, C>T on the plus strand (G>A on the coding strand, the complement: NOBOX is on the minus strand). VCF-style: chr7-144399832-C-T. GRCh37 (hg19) VCF-style: chr7-144096925-C-T.
Other names: NM_001080413.3:c.1079G>A; c.176G>A, p.Arg59Gln (NM_001436402.1); short protein forms R243Q, R59Q.
Identifiers: ClinVar variation 910208 (VCV000910208.5), dbSNP rs199538689, ClinGen allele CA4544656.

ClinVar aggregate classification (germline): Likely benign. Review status: criteria provided, multiple submitters, no conflicts (2 of 4 stars). 2 submissions from 2 submitters: Likely benign (2). Last evaluated 2026-07-13.

Conditions:
Premature ovarian failure 5 (POF5). Identifiers: MedGen C1969060, MONDO:0012689, OMIM 611548.
NOBOX-related disorder. Also called: NOBOX-related condition.

Allele frequency attached by ClinVar (database versions not stated): 1000 Genomes Project 30x 0.00016; 1000 Genomes Project 0.00020; gnomAD 0.00029 and 0.00030; ESP Exome Variant Server 0.00033; gnomAD exomes 0.00034 and 0.00053; ExAC 0.00035; TOPMed 0.00036.
gnomAD v4.1: 809 of 1,612,382 alleles (0.05%); highest among the groups gnomAD compares: Non-Finnish European, 0.064%; no homozygotes.

Submissions (2):

PreventionGenetics, part of Exact Sciences
Classification: Likely benign for NOBOX-related condition. Last evaluated: 2026-07-13. Review status: criteria provided, single submitter. Criteria: ACMG Guidelines, 2015. Collection method: clinical testing. Allele origin: germline.
Comment: This variant is classified as likely benign based on ACMG/AMP sequence variant interpretation guidelines (Richards et al. 2015 PMID: 25741868, with internal and published modifications).

Illumina Laboratory Services, Illumina
Classification: Likely benign for Premature ovarian failure 5. Last evaluated: 2017-04-27. Review status: criteria provided, single submitter. Criteria: ICSL Variant Classification Criteria 13 December 2019. Collection method: clinical testing. Allele origin: germline.
Comment: This variant was observed as part of a predisposition screen in an ostensibly healthy population. A literature search was performed for the gene, cDNA change, and amino acid change (where applicable). Publications were found based on this search. The evidence from the literature, in combination with allele frequency data from public databases where available, was sufficient to determine this variant is unlikely to cause disease. Therefore, this variant is classified as likely benign.

Literature cited by the submitters: PubMed 18930203 (cited by Illumina Laboratory Services, Illumina).